The following is an entry in ClinVar:

NM_020843.4(SCAPER):c.2594G>T (p.Arg865Leu)

Gene: SCAPER (S-phase cyclin A associated protein in the ER; minus strand). Cytogenetic location: 15q24.3.
Variant type: single nucleotide variant.
Coding change: c.2594G>T on transcript NM_020843.4 (MANE Select); coding-DNA position 2594, G replaced by T.
Protein change: p.Arg865Leu; replaces arginine 865 with leucine.
Molecular consequence: missense variant. On other transcripts: non-coding transcript variant (1).
Genome position (GRCh38, 1-based): chr15:76,665,704, C>A on the plus strand (G>T on the coding strand, the complement: SCAPER is on the minus strand). VCF-style: chr15-76665704-C-A. GRCh37 (hg19) VCF-style: chr15-76958045-C-A.
Other names: c.1856G>T, p.Arg619Leu (NM_001145923.2); c.2612G>T, p.Arg871Leu (NM_001353009.2); c.2192G>T, p.Arg731Leu (NM_001353010.2, NM_001353012.2); c.2210G>T, p.Arg737Leu (NM_001353011.2); short protein forms R737L, R731L, R865L, R871L, R619L.
Identifiers: ClinVar variation 4995296 (VCV004995296.1).

ClinVar aggregate classification (germline): Uncertain significance (1 of 4 stars; one submission).

Conditions:
SCAPER-related disorder. Also called: SCAPER-related condition.

gnomAD v4.1: 8 of 1,570,136 alleles (0.00051%); highest among the groups gnomAD compares: Non-Finnish European, 0.00069%; no homozygotes.

Submission:

PreventionGenetics, part of Exact Sciences
Classification: Uncertain significance for SCAPER-related condition. Last evaluated: 2026-01-13. Review status: criteria provided, single submitter. Criteria: ACMG Guidelines, 2015. Collection method: clinical testing. Allele origin: germline.
Comment: The SCAPER c.2612G>T variant is predicted to result in the amino acid substitution p.Arg871Leu. To our knowledge, this variant has not been reported in the literature or in a large population database (gnomAD), indicating this variant is rare. At this time, the clinical significance of this variant is uncertain due to the absence of conclusive functional and genetic evidence.